The following is an entry in ClinVar:

ClinVar aggregate classification (germline): Benign. Review status: reviewed by expert panel (3 of 4 stars). 3 submissions from 3 submitters: Benign (1). 2 of the submissions do not count toward it. Last evaluated 2015-01-12.

Conditions:
Breast-ovarian cancer, familial, susceptibility to, 1 (BROVCA1). Also called: BRCA1 Hereditary Breast and Ovarian Cancer; OVARIAN CANCER, SUSCEPTIBILITY TO. Identifiers: Orphanet 145, MedGen C2676676, MONDO:0011450, OMIM 604370. Disease mechanism: loss of function.

Allele frequency attached by ClinVar (database versions not stated): TOPMed 0.21912; gnomAD 0.22746 and 0.23687; 1000 Genomes Project 30x 0.28279; 1000 Genomes Project 0.29093.
gnomAD v4.1: 36,075 of 152,102 alleles (24%); highest among the groups gnomAD compares: South Asian, 46%; 4,723 homozygotes.

Submissions (3):

Evidence-based Network for the Interpretation of Germline Mutant Alleles (ENIGMA)
Classification: Benign for Breast-ovarian cancer, familial 1. Last evaluated: 2015-01-12. Review status: reviewed by expert panel. Criteria: ENIGMA BRCA1/2 Classification Criteria (2015). Collection method: curation. Allele origin: germline.
Comment: Class 1 not pathogenic based on frequency >1% in an outbred sampleset. Frequency 0.3304 (Asian), 0.1179 (African), 0.2744 (European), derived from 1000 genomes (2012-04-30).

GeneDx
Classification: Benign. Last evaluated: 2018-06-23. Review status: criteria provided, single submitter. Criteria: GeneDx Variant Classification Process June 2021. Collection method: clinical testing. Allele origin: germline. Affected: yes. Not counted in ClinVar's aggregate classification.

Breakthrough Genomics
Classification: Benign. Review status: criteria provided, single submitter. Criteria: ACMG Guidelines, 2015. Collection method: not provided. Allele origin: germline. Inheritance: Autosomal recessive inheritance. Affected: yes. Not counted in ClinVar's aggregate classification.

NM_007294.4(BRCA1):c.5075-237C>A

Gene: BRCA1 (BRCA1 DNA repair associated; minus strand). Cytogenetic location: 17q21.31.
Variant type: single nucleotide variant.
Coding change: c.5075-237C>A on transcript NM_007294.4 (MANE Select); 237 bases into the intron before coding-DNA position 5075, C replaced by A.
Molecular consequence: intron variant.
Genome position (GRCh38, 1-based): chr17:43,064,188, G>T on the plus strand (C>A on the coding strand, the complement: BRCA1 is on the minus strand). VCF-style: chr17-43064188-G-T. GRCh37 (hg19) VCF-style: chr17-41216205-G-T.
Other names: IVS 17-237C>A; c.4862-237C>A (NM_001407899.1, NM_001407895.1, NM_001407910.1 and 12 more transcripts); c.1436-237C>A (NM_001408507.1); c.1520-237C>A (NM_001408495.1); c.1637-237C>A (NM_001408448.1, NM_001408445.1, NM_001408450.1 and 2 more transcripts); c.1646-237C>A (NM_001408421.1, NM_001408424.1, NM_001408422.1 and 1 more transcripts); c.1763-237C>A (NM_001407991.1, NM_001407984.1, NM_001407983.1 and 12 more transcripts); c.5069-237C>A (NM_001407631.1, NM_001407638.1, NM_001407628.1 and 14 more transcripts); and 74 more.
Identifiers: ClinVar variation 209322 (VCV000209322.5), dbSNP rs8176257, ClinGen allele CA276294.